The following is an entry in ClinVar:

NM_138409.4(MRAP2):c.423C>T (p.Asp141=)

Gene: MRAP2 (melanocortin 2 receptor accessory protein 2; plus strand). Cytogenetic location: 6q14.2.
Variant type: single nucleotide variant.
Coding change: c.423C>T on transcript NM_138409.4 (MANE Select); coding-DNA position 423, C replaced by T.
Protein change: p.Asp141=; no amino-acid change (aspartic acid 141 retained).
Molecular consequence: synonymous variant.
Genome position (GRCh38, 1-based): chr6:84,089,286, C>T. VCF-style: chr6-84089286-C-T. GRCh37 (hg19) VCF-style: chr6-84799005-C-T.
Other names: c.165C>T, p.Asp55= (NM_001346541.2); c.423C>T, p.Asp141= (NM_001346542.2, NM_001346544.2); c.258C>T, p.Asp86= (NM_001346543.2).
Identifiers: ClinVar variation 3358608 (VCV003358608.1).

ClinVar aggregate classification (germline): Likely benign (0 of 4 stars; one submission).

Conditions:
MRAP2-related disorder. Also called: MRAP2-related condition.

gnomAD v4.1: 41 of 1,614,058 alleles (0.0025%); highest among the groups gnomAD compares: African/African-American, 0.004%; no homozygotes.

Submission:

PreventionGenetics, part of Exact Sciences
Classification: Likely benign for MRAP2-related condition. Last evaluated: 2024-03-12. Review status: no assertion criteria provided. Collection method: clinical testing. Allele origin: germline.
Comment: This variant is classified as likely benign based on ACMG/AMP sequence variant interpretation guidelines (Richards et al. 2015 PMID: 25741868, with internal and published modifications).